The following is an entry in ClinVar:

NM_052813.5(CARD9):c.553C>G (p.Leu185Val)

Gene: CARD9 (caspase recruitment domain family member 9; minus strand). Cytogenetic location: 9q34.3.
Variant type: single nucleotide variant.
Coding change: c.553C>G on transcript NM_052813.5 (MANE Select); coding-DNA position 553, C replaced by G.
Protein change: p.Leu185Val; replaces leucine 185 with valine.
Molecular consequence: missense variant.
Genome position (GRCh38, 1-based): chr9:136,370,915, G>C on the plus strand (C>G on the coding strand, the complement: CARD9 is on the minus strand). VCF-style: chr9-136370915-G-C. GRCh37 (hg19) VCF-style: chr9-139265367-G-C.
Other names: c.553C>G, p.Leu185Val (NM_052814.4); short protein forms L185V.
Identifiers: ClinVar variation 3657239 (VCV003657239.2).

ClinVar aggregate classification (germline): Uncertain significance (1 of 4 stars; one submission).

Conditions:
Predisposition to invasive fungal disease due to CARD9 deficiency (IMD103). Also called: Candidiasis, familial, 2, autosomal recessive; IMMUNODEFICIENCY 103, SUSCEPTIBILITY TO FUNGAL INFECTIONS; CARD9 IMMUNODEFICIENCY. Identifiers: Orphanet 457088, MedGen C1859353, MONDO:0008905, OMIM 212050.

gnomAD v4.1: 1 of 1,612,046 alleles (0.000062%); no homozygotes.

Submission:

Labcorp Genetics (formerly Invitae), Labcorp
Classification: Uncertain significance for Predisposition to invasive fungal disease due to CARD9 deficiency. Last evaluated: 2025-07-14. Review status: criteria provided, single submitter. Criteria: Invitae Variant Classification Sherloc (09022015). Collection method: clinical testing. Allele origin: germline.
Comment: This sequence change replaces leucine, which is neutral and non-polar, with valine, which is neutral and non-polar, at codon 185 of the CARD9 protein (p.Leu185Val). This variant is not present in population databases (gnomAD no frequency). This variant has not been reported in the literature in individuals affected with CARD9-related conditions. ClinVar contains an entry for this variant (Variation ID: 3657239). Invitae Evidence Modeling of protein sequence and biophysical properties (such as structural, functional, and spatial information, amino acid conservation, physicochemical variation, residue mobility, and thermodynamic stability) has been performed for this missense variant. However, the output from this modeling did not meet the statistical confidence thresholds required to predict the impact of this variant on CARD9 protein function. In summary, the available evidence is currently insufficient to determine the role of this variant in disease. Therefore, it has been classified as a Variant of Uncertain Significance.